The following is an entry in ClinVar:

ClinVar aggregate classification (germline): Uncertain significance (1 of 4 stars; one submission).

Conditions:
APOB-related disorder. Also called: APOB-related disorders; APOB-related condition.

Submission:

PreventionGenetics, part of Exact Sciences
Classification: Uncertain significance for APOB-related condition. Last evaluated: 2022-11-11. Review status: criteria provided, single submitter. Criteria: ACMG Guidelines, 2015. Collection method: clinical testing. Allele origin: germline.
Comment: The APOB c.5941T>G variant is predicted to result in the amino acid substitution p.Trp1981Gly. To our knowledge, this variant has not been reported in the literature or in a large population database, indicating this variant is rare. At this time, the clinical significance of this variant is uncertain due to the absence of conclusive functional and genetic evidence.

NM_000384.3(APOB):c.5941T>G (p.Trp1981Gly)

Gene: APOB (apolipoprotein B; minus strand). Cytogenetic location: 2p24.1.
Variant type: single nucleotide variant.
Coding change: c.5941T>G on transcript NM_000384.3 (MANE Select); coding-DNA position 5941, T replaced by G.
Protein change: p.Trp1981Gly; replaces tryptophan 1981 with glycine.
Molecular consequence: missense variant.
Genome position (GRCh38, 1-based): chr2:21,010,927, A>C on the plus strand (T>G on the coding strand, the complement: APOB is on the minus strand). VCF-style: chr2-21010927-A-C. GRCh37 (hg19) VCF-style: chr2-21233799-A-C.
Other names: short protein forms W1981G.
Identifiers: ClinVar variation 2628763 (VCV002628763.1), dbSNP rs2465373141, ClinGen allele CA346003653.
Genomic context (GRCh38, chr2:21,010,927, plus strand): 5'-TGTTGTAAGCATCCAAGTCCTGGCTGTATTCATTGTTGTTAAATTGGGTCTTGAGTTTCC[A>C]GGTGCCTGTCTGCTCAGCTGGAGTAAGCAGGGCACTGACTTTGTGTTCAAGAGCTGCACT-3'
Protein context (NP_000375.3, residues 1971-1991): LLTPAEQTGT[Trp1981Gly]KLKTQFNNNE